The following is an entry in ClinVar:

NM_153676.4(USH1C):c.579+1G>A

Gene: USH1C (USH1 protein network component harmonin; minus strand). Cytogenetic location: 11p15.1.
Variant type: single nucleotide variant.
Coding change: c.579+1G>A on transcript NM_153676.4 (MANE Select); the canonical splice donor site of the intron after coding-DNA position 579, G replaced by A.
Molecular consequence: splice donor variant.
Genome position (GRCh38, 1-based): chr11:17,526,752, C>T on the plus strand (G>A on the coding strand, the complement: USH1C is on the minus strand). VCF-style: chr11-17526752-C-T. GRCh37 (hg19) VCF-style: chr11-17548299-C-T.
Other names: c.579+1G>A (NM_005709.3, NM_001297764.2, NM_005709.4).
Identifiers: ClinVar variation 2197225 (VCV002197225.5), dbSNP rs1283092935, ClinGen allele CA379794068.

ClinVar aggregate classification (germline): Pathogenic/Likely pathogenic. Review status: criteria provided, multiple submitters, no conflicts (2 of 4 stars). 4 submissions from 4 submitters: Pathogenic (2); Likely pathogenic (2). Last evaluated 2025-12-15.

Conditions:
USH1C-related disorder. Also called: USH1C-related condition.
Usher syndrome type 1C. Also called: USHER SYNDROME, TYPE I, ACADIAN VARIETY. Identifiers: Orphanet 231169, Orphanet 886, MedGen C1848604, MONDO:0010171, OMIM 276904.
Autosomal recessive nonsyndromic hearing loss 18A. Also called: Deafness, autosomal recessive 18A; DEAFNESS, AUTOSOMAL RECESSIVE 18. Identifiers: Orphanet 90636, MedGen C1865870, MONDO:0011192, OMIM 602092.

Allele frequency attached by ClinVar (database versions not stated): TOPMed 0.00001.

Submissions (4):

Labcorp Genetics (formerly Invitae), Labcorp
Classification: Pathogenic. Last evaluated: 2025-12-15. Review status: criteria provided, single submitter. Criteria: Invitae Variant Classification Sherloc (09022015). Collection method: clinical testing. Allele origin: germline.
Comment: This sequence change affects a donor splice site in intron 7 of the USH1C gene. It is expected to disrupt RNA splicing. Variants that disrupt the donor or acceptor splice site typically lead to a loss of protein function (PMID: 16199547), and loss-of-function variants in USH1C are known to be pathogenic (PMID: 10973247, 17407589, 20301442, 21203349). This variant is not present in population databases (gnomAD no frequency). Disruption of this splice site has been observed in individual(s) with Usher syndrome (PMID: 29625443). In at least one individual the data is consistent with being in trans (on the opposite chromosome) from a pathogenic variant. ClinVar contains an entry for this variant (Variation ID: 2197225). Algorithms developed to predict the effect of sequence changes on RNA splicing suggest that this variant may disrupt the consensus splice site. For these reasons, this variant has been classified as Pathogenic.

Natera, Inc.
Classification: Pathogenic for Usher syndrome type 1C. Last evaluated: 2024-12-04. Review status: criteria provided, single submitter. Criteria: Natera Variant Classification Schema (03/2026). Collection method: clinical testing. Allele origin: germline.
Comment: The c.579+1G>A variant in USH1C is a canonical splice donor site variant predicted to affect pre-mRNA splicing, which may result in an abnormal transcript and altered protein product. This variant is expected to result in nonsense mediated decay, truncation, or a dysfunctional protein product. This variant is rare in the general population with a frequency below the threshold expected for the associated phenotype(s). Another variant at this same site results in an alteration predicted to cause a similar molecular effect has been observed in individual(s) with the associated phenotype. Given the available evidence, this variant is classified as Pathogenic.

Baylor Genetics
Classification: Likely pathogenic for Autosomal recessive nonsyndromic hearing loss 18A. Last evaluated: 2023-10-12. Review status: criteria provided, single submitter. Criteria: ACMG Guidelines, 2015. Collection method: clinical testing. Allele origin: unknown.

Blueprint Genetics
Classification: Likely pathogenic for USH1C-related disorders. Last evaluated: 2019-06-18. Review status: criteria provided, single submitter. Criteria: ACMG Guidelines, 2015. Collection method: clinical testing. Allele origin: germline. Affected: yes. Observed: 1 variant allele.

Literature cited by the submitters: PubMed 16199547 (cited by Labcorp Genetics (formerly Invitae), Labcorp); PubMed 10973247 (cited by Labcorp Genetics (formerly Invitae), Labcorp); PubMed 17407589 (cited by Labcorp Genetics (formerly Invitae), Labcorp); PubMed 20301442 (cited by Labcorp Genetics (formerly Invitae), Labcorp); PubMed 21203349 (cited by Labcorp Genetics (formerly Invitae), Labcorp); PubMed 29625443 (cited by Labcorp Genetics (formerly Invitae), Labcorp).